The following is an entry in ClinVar:

NM_000059.4(BRCA2):c.8600C>T (p.Thr2867Ile)

Gene: BRCA2 (BRCA2 DNA repair associated; plus strand). Cytogenetic location: 13q13.1.
Variant type: single nucleotide variant.
Coding change: c.8600C>T on transcript NM_000059.4 (MANE Select); coding-DNA position 8600, C replaced by T.
Protein change: p.Thr2867Ile; replaces threonine 2867 with isoleucine.
Molecular consequence: missense variant.
Genome position (GRCh38, 1-based): chr13:32,371,068, C>T. VCF-style: chr13-32371068-C-T. GRCh37 (hg19) VCF-style: chr13-32945205-C-T.
Other names: short protein forms T2867I.
Identifiers: ClinVar variation 482978 (VCV000482978.16), dbSNP rs1555287785, ClinGen allele CA387752887.

ClinVar aggregate classification (germline): Conflicting classifications of pathogenicity. Review status: criteria provided, conflicting classifications (1 of 4 stars). 3 submissions from 3 submitters: Uncertain significance (2); Likely benign (1). Last evaluated 2025-05-15.

Conditions:
Hereditary cancer-predisposing syndrome. Also called: Neoplastic Syndromes, Hereditary; Tumor predisposition; Hereditary Cancer Syndrome; Hereditary neoplastic syndrome. Identifiers: Orphanet 140162, MedGen C0027672, MeSH D009386, MONDO:0015356.
Hereditary breast ovarian cancer syndrome. Also called: Hereditary breast and ovarian cancer syndrome; Hereditary breast and ovarian cancer; Hereditary breast and ovarian cancer syndrome (HBOC); Breast and ovarian cancer; Hereditary breast and/or ovarian cancer syndrome; BRCA1- and BRCA2-Associated Hereditary Breast and Ovarian Cancer. Identifiers: Orphanet 145, MedGen C0677776, MeSH D061325, MONDO:0003582. Disease mechanism: loss of function.

Submissions (3):

Ambry Genetics
Classification: Likely benign for Hereditary cancer-predisposing syndrome. Last evaluated: 2025-05-15. Review status: criteria provided, single submitter. Criteria: Ambry Variant Classification Scheme 2023. Collection method: clinical testing. Allele origin: germline.

GeneDx
Classification: Uncertain significance. Last evaluated: 2023-05-11. Review status: criteria provided, single submitter. Criteria: GeneDx Variant Classification Process June 2021. Collection method: clinical testing. Allele origin: germline. Affected: yes.
Comment: Not observed at significant frequency in large population cohorts (gnomAD); In silico analysis supports that this missense variant does not alter protein structure/function; Has not been previously published as pathogenic or benign to our knowledge; Also known as 8828C>T; This variant is associated with the following publications: (PMID: 12228710, 31911673)

Labcorp Genetics (formerly Invitae), Labcorp
Classification: Uncertain significance for Hereditary breast ovarian cancer syndrome. Last evaluated: 2020-03-22. Review status: criteria provided, single submitter. Criteria: Invitae Variant Classification Sherloc (09022015). Collection method: clinical testing. Allele origin: germline.
Comment: This sequence change replaces threonine with isoleucine at codon 2867 of the BRCA2 protein (p.Thr2867Ile). The threonine residue is moderately conserved and there is a moderate physicochemical difference between threonine and isoleucine. This variant is not present in population databases (ExAC no frequency). This variant has not been reported in the literature in individuals with BRCA2-related conditions. ClinVar contains an entry for this variant (Variation ID: 482978). Algorithms developed to predict the effect of missense changes on protein structure and function are either unavailable or do not agree on the potential impact of this missense change (SIFT: "Deleterious"; PolyPhen-2: "Possibly Damaging"; Align-GVGD: "Class C0"). In summary, the available evidence is currently insufficient to determine the role of this variant in disease. Therefore, it has been classified as a Variant of Uncertain Significance.